The following is an entry in ClinVar:

ClinVar aggregate classification (germline): Uncertain significance (1 of 4 stars; one submission).

Allele frequency attached by ClinVar (database versions not stated): ExAC 0.00001; gnomAD exomes 0.00002; gnomAD 0.00005; TOPMed 0.00003.
gnomAD v4.1: 34 of 1,613,130 alleles (0.0021%); highest among the groups gnomAD compares: African/African-American, 0.0027%; no homozygotes.

Submission:

GeneDx
Classification: Uncertain significance. Last evaluated: 2025-10-01. Review status: criteria provided, single submitter. Criteria: GeneDx Variant Classification Process June 2021. Collection method: clinical testing. Allele origin: germline.
Comment: In silico analysis supports that this missense variant has a deleterious effect on protein structure/function; Has not been previously published as pathogenic or benign to our knowledge

NM_001080453.3(INTS1):c.5848C>T (p.Arg1950Cys)

Gene: INTS1 (integrator complex subunit 1; minus strand). Cytogenetic location: 7p22.3.
Variant type: single nucleotide variant.
Coding change: c.5848C>T on transcript NM_001080453.3 (MANE Select); coding-DNA position 5848, C replaced by T.
Protein change: p.Arg1950Cys; replaces arginine 1950 with cysteine.
Molecular consequence: missense variant.
Genome position (GRCh38, 1-based): chr7:1,473,675, G>A on the plus strand (C>T on the coding strand, the complement: INTS1 is on the minus strand). VCF-style: chr7-1473675-G-A. GRCh37 (hg19) VCF-style: chr7-1513311-G-A.
Other names: c.2365C>T, p.Arg789Cys (NM_015674.1); short protein forms R1950C, R789C.
Identifiers: ClinVar variation 2430426 (VCV002430426.2), dbSNP rs774170014, ClinGen allele CA4118233.
Genomic context (GRCh38, chr7:1,473,675, plus strand): 5'-TGTAGGTAATGTACTTATGGATGAACTGCACAAACTTGTTGATGAAGGCAGCCAGATGGC[G>A]GGAGGACTTCCTGTAATTCTGCAAAGCAAAAGCGGCACCCTCGAGCTGCTCTGCCCCGCA-3'
Protein context (NP_001073922.2, residues 1940-1960): RLLLNYRKSS[Arg1950Cys]HLAAFINKFV